The following is an entry in ClinVar:

ClinVar aggregate classification (germline): Uncertain significance (1 of 4 stars; one submission).

Conditions:
Hereditary cancer-predisposing syndrome. Also called: Tumor predisposition; Neoplastic Syndromes, Hereditary; Hereditary Cancer Syndrome; Hereditary neoplastic syndrome. Identifiers: Orphanet 140162, MedGen C0027672, MeSH D009386, MONDO:0015356.

Submission:

Ambry Genetics
Classification: Uncertain significance for Hereditary cancer-predisposing syndrome. Last evaluated: 2021-10-06. Review status: criteria provided, single submitter. Criteria: Ambry Variant Classification Scheme 2023. Collection method: clinical testing. Allele origin: germline.
Comment: The p.Q1069P variant (also known as c.3206A>C), located in coding exon 19 of the BRIP1 gene, results from an A to C substitution at nucleotide position 3206. The glutamine at codon 1069 is replaced by proline, an amino acid with similar properties. This amino acid position is conserved. In addition, this alteration is predicted to be tolerated by in silico analysis. Since supporting evidence is limited at this time, the clinical significance of this alteration remains unclear.

NM_032043.3(BRIP1):c.3206A>C (p.Gln1069Pro)

Gene: BRIP1 (BRCA1 interacting DNA helicase 1; minus strand). Cytogenetic location: 17q23.2.
Variant type: single nucleotide variant.
Coding change: c.3206A>C on transcript NM_032043.3 (MANE Select); coding-DNA position 3206, A replaced by C.
Protein change: p.Gln1069Pro; replaces glutamine 1069 with proline.
Molecular consequence: missense variant.
Genome position (GRCh38, 1-based): chr17:61,683,840, T>G on the plus strand (A>C on the coding strand, the complement: BRIP1 is on the minus strand). VCF-style: chr17-61683840-T-G. GRCh37 (hg19) VCF-style: chr17-59761201-T-G.
Other names: short protein forms Q1069P.
Identifiers: ClinVar variation 1728863 (VCV001728863.2), dbSNP rs2144084484, ClinGen allele CA400479319.